The following is an entry in ClinVar:

NM_003331.5(TYK2):c.1415T>A (p.Leu472His)

Gene: TYK2 (tyrosine kinase 2; minus strand). Cytogenetic location: 19p13.2.
Variant type: single nucleotide variant.
Coding change: c.1415T>A on transcript NM_003331.5 (MANE Select); coding-DNA position 1415, T replaced by A.
Protein change: p.Leu472His; replaces leucine 472 with histidine.
Molecular consequence: missense variant.
Genome position (GRCh38, 1-based): chr19:10,362,610, A>T on the plus strand (T>A on the coding strand, the complement: TYK2 is on the minus strand). VCF-style: chr19-10362610-A-T. GRCh37 (hg19) VCF-style: chr19-10473286-A-T.
Other names: c.1415T>A, p.Leu472His (NM_001385197.1, NM_001385198.1, NM_001385199.1 and 7 more transcripts); c.1217T>A, p.Leu406His (NM_001385201.1); c.1325T>A, p.Leu442His (NM_001385205.1); short protein forms L406H, L442H, L472H.
Identifiers: ClinVar variation 2112331 (VCV002112331.4), dbSNP rs1054075618, ClinGen allele CA305205012.

ClinVar aggregate classification (germline): Uncertain significance (1 of 4 stars; one submission).

Conditions:
Immunodeficiency 35 (IMD35). Also called: Susceptibility to infection due to TYK2 deficiency; HYPER-IgE SYNDROME WITH ATYPICAL MYCOBACTERIOSIS, AUTOSOMAL RECESSIVE; TYK2 DEFICIENCY; HIES WITH ATYPICAL MYCOBACTERIOSIS, AUTOSOMAL RECESSIVE. Identifiers: Orphanet 331226, MedGen C1969086, MONDO:0012682, OMIM 611521.

Submission:

Labcorp Genetics (formerly Invitae), Labcorp
Classification: Uncertain significance for Immunodeficiency 35. Last evaluated: 2022-11-08. Review status: criteria provided, single submitter. Criteria: Invitae Variant Classification Sherloc (09022015). Collection method: clinical testing. Allele origin: germline.
Comment: This sequence change replaces leucine, which is neutral and non-polar, with histidine, which is basic and polar, at codon 472 of the TYK2 protein (p.Leu472His). This variant is not present in population databases (gnomAD no frequency). This variant has not been reported in the literature in individuals affected with TYK2-related conditions. Advanced modeling of protein sequence and biophysical properties (such as structural, functional, and spatial information, amino acid conservation, physicochemical variation, residue mobility, and thermodynamic stability) performed at Invitae indicates that this missense variant is not expected to disrupt TYK2 protein function. In summary, the available evidence is currently insufficient to determine the role of this variant in disease. Therefore, it has been classified as a Variant of Uncertain Significance.